The following is an entry in ClinVar:

ClinVar aggregate classification (germline): Likely benign (0 of 4 stars; one submission).

Conditions:
ELMOD2-related disorder. Also called: ELMOD2-related condition.

Allele frequency attached by ClinVar (database versions not stated): 1000 Genomes Project 30x 0.00047; 1000 Genomes Project 0.00060; ESP Exome Variant Server 0.00108.
gnomAD v4.1: 1,467 of 1,606,730 alleles (0.091%); highest among the groups gnomAD compares: Non-Finnish European, 0.11%; 2 homozygotes.

Submission:

PreventionGenetics, part of Exact Sciences
Classification: Likely benign for ELMOD2-related condition. Last evaluated: 2023-05-02. Review status: no assertion criteria provided. Collection method: clinical testing. Allele origin: germline.
Comment: This variant is classified as likely benign based on ACMG/AMP sequence variant interpretation guidelines (Richards et al. 2015 PMID: 25741868, with internal and published modifications).

NM_153702.4(ELMOD2):c.662G>A (p.Ser221Asn)

Gene: ELMOD2 (ELMO domain containing 2; plus strand). Cytogenetic location: 4q31.1.
Variant type: single nucleotide variant.
Coding change: c.662G>A on transcript NM_153702.4 (MANE Select); coding-DNA position 662, G replaced by A.
Protein change: p.Ser221Asn; replaces serine 221 with asparagine.
Molecular consequence: missense variant.
Genome position (GRCh38, 1-based): chr4:140,543,512, G>A. VCF-style: chr4-140543512-G-A. GRCh37 (hg19) VCF-style: chr4-141464666-G-A.
Other names: short protein forms S221N.
Identifiers: ClinVar variation 3044639 (VCV003044639.2), dbSNP rs148286208, ClinGen allele CA3086517.